The following is an entry in ClinVar:

ClinVar aggregate classification (germline): Likely benign (1 of 4 stars; one submission).

Allele frequency attached by ClinVar (database versions not stated): ExAC 0.00001; TOPMed 0.00001.

Submission:

CeGaT Center for Human Genetics Tuebingen
Classification: Likely benign. Last evaluated: 2023-08-01. Review status: criteria provided, single submitter. Criteria: CeGaT Center For Human Genetics Tuebingen Variant Classification Criteria Version 2. Collection method: clinical testing. Allele origin: germline. Affected: yes. Observed: 1 variant allele.
Comment: ATP5MGL: BP4, BP7

NM_001165877.1(ATP5MGL):c.300C>G (p.Gly100=)

Genes: CYB5R3 (cytochrome b5 reductase 3; minus strand), ATP5MGL (ATP synthase membrane subunit g like; minus strand). Cytogenetic location: 22q13.2.
Variant type: single nucleotide variant.
Coding change: c.300C>G on transcript NM_001165877.1 (MANE Select); coding-DNA position 300, C replaced by G.
Protein change: p.Gly100=; no amino-acid change (glycine 100 retained).
Molecular consequence: synonymous variant. On other transcripts: intron variant (5).
Genome position (GRCh38, 1-based): chr22:42,639,975, G>C on the plus strand (C>G on the coding strand, the complement: ATP5MGL is on the minus strand). VCF-style: chr22-42639975-G-C. GRCh37 (hg19) VCF-style: chr22-43035981-G-C.
Other names: c.22-3129C>G (NM_000398.7); c.-48-3129C>G (NM_007326.4, NM_001171661.1, NM_001129819.2); c.121-3129C>G (NM_001171660.2).
Identifiers: ClinVar variation 2653259 (VCV002653259.24), dbSNP rs772255443, ClinGen allele CA10269981.